The following is an entry in ClinVar:

NM_016529.6(ATP8A2):c.797C>T (p.Pro266Leu)

Gene: ATP8A2 (ATPase phospholipid transporting 8A2). Cytogenetic location: 13q12.13.
Variant type: single nucleotide variant.
Coding change: c.797C>T on transcript NM_016529.6 (MANE Select); coding-DNA position 797, C replaced by T.
Protein change: p.Pro266Leu; replaces proline 266 with leucine.
Molecular consequence: missense variant.
Genome position (GRCh38, 1-based): chr13:25,543,308, C>T. VCF-style: chr13-25543308-C-T. GRCh37 (hg19) VCF-style: chr13-26117446-C-T.
Other names: c.797C>T (NM_016529.4); c.677C>T, p.Pro226Leu (NM_001313741.1); c.797C>T, p.Pro266Leu (NM_001411005.1, NM_001411006.1); short protein forms P226L, P266L.
Identifiers: ClinVar variation 1988323 (VCV001988323.2), dbSNP rs377240299, ClinGen allele CA6922718.
Genomic context (GRCh38, chr13:25,543,308, plus strand): 5'-TTCCAGACTATCATTAAATATCATTGTTGTTTTTTATTTTTAGCCTTGTTGCCCTTGGGC[C>T]TGACCAGATCTTATTAAGAGGTACACAGCTTAGAAATACTCAGTGGGTCTTTGGCATAGT-3'
Protein context (NP_057613.4, residues 256-276): LDGKSLVALG[Pro266Leu]DQILLRGTQL

ClinVar aggregate classification (germline): Uncertain significance. Review status: criteria provided, multiple submitters, no conflicts (2 of 4 stars). 2 submissions from 2 submitters: Uncertain significance (2). Last evaluated 2025-08-12.

Conditions:
Inborn genetic diseases. Identifiers: MedGen C0950123, MeSH D030342.

Allele frequency attached by ClinVar (database versions not stated): ExAC 0.00001; gnomAD exomes 0.00002; TOPMed 0.00002; gnomAD 0.00003; ESP Exome Variant Server 0.00008.
gnomAD v4.1: 30 of 1,608,168 alleles (0.0019%); highest among the groups gnomAD compares: Non-Finnish European, 0.0026%; no homozygotes.

Submissions (2):

Ambry Genetics
Classification: Uncertain significance for Inborn genetic diseases. Last evaluated: 2025-08-12. Review status: criteria provided, single submitter. Criteria: Ambry Variant Classification Scheme 2023. Collection method: clinical testing. Allele origin: germline.

Labcorp Genetics (formerly Invitae), Labcorp
Classification: Uncertain significance. Last evaluated: 2021-12-13. Review status: criteria provided, single submitter. Criteria: Invitae Variant Classification Sherloc (09022015). Collection method: clinical testing. Allele origin: germline.
Comment: This sequence change replaces proline, which is neutral and non-polar, with leucine, which is neutral and non-polar, at codon 266 of the ATP8A2 protein (p.Pro266Leu). This variant is present in population databases (rs377240299, gnomAD 0.002%). This variant has not been reported in the literature in individuals affected with ATP8A2-related conditions. Algorithms developed to predict the effect of missense changes on protein structure and function are either unavailable or do not agree on the potential impact of this missense change (SIFT: "Tolerated"; PolyPhen-2: "Probably Damaging"; Align-GVGD: "Class C0"). In summary, the available evidence is currently insufficient to determine the role of this variant in disease. Therefore, it has been classified as a Variant of Uncertain Significance.